The following is an entry in ClinVar:

ClinVar aggregate classification (germline): Uncertain significance (1 of 4 stars; one submission).

Conditions:
Developmental and epileptic encephalopathy, 23 (DEE23). Also called: Epileptic encephalopathy, early infantile, 23. Identifiers: Orphanet 411986, MedGen C4014492, MONDO:0014371, OMIM 615859.

Allele frequency attached by ClinVar (database versions not stated): TOPMed below 0.00001.

Submission:

Labcorp Genetics (formerly Invitae), Labcorp
Classification: Uncertain significance for Developmental and epileptic encephalopathy, 23. Last evaluated: 2022-02-21. Review status: criteria provided, single submitter. Criteria: Invitae Variant Classification Sherloc (09022015). Collection method: clinical testing. Allele origin: germline.
Comment: This sequence change replaces valine, which is neutral and non-polar, with alanine, which is neutral and non-polar, at codon 539 of the DOCK7 protein (p.Val539Ala). This variant is not present in population databases (gnomAD no frequency). In summary, the available evidence is currently insufficient to determine the role of this variant in disease. Therefore, it has been classified as a Variant of Uncertain Significance. Algorithms developed to predict the effect of missense changes on protein structure and function are either unavailable or do not agree on the potential impact of this missense change (SIFT: "Deleterious"; PolyPhen-2: "Benign"; Align-GVGD: "Class C0"). This variant has not been reported in the literature in individuals affected with DOCK7-related conditions.

NM_001367561.1(DOCK7):c.1616T>C (p.Val539Ala)

Gene: DOCK7 (dedicator of cytokinesis 7; minus strand). Cytogenetic location: 1p31.3.
Variant type: single nucleotide variant.
Coding change: c.1616T>C on transcript NM_001367561.1 (MANE Select); coding-DNA position 1616, T replaced by C.
Protein change: p.Val539Ala; replaces valine 539 with alanine.
Molecular consequence: missense variant.
Genome position (GRCh38, 1-based): chr1:62,618,772, A>G on the plus strand (T>C on the coding strand, the complement: DOCK7 is on the minus strand). VCF-style: chr1-62618772-A-G. GRCh37 (hg19) VCF-style: chr1-63084443-A-G.
Other names: c.1616T>C, p.Val539Ala (NM_001271999.2, NM_001272000.2, NM_001272001.2 and 3 more transcripts); short protein forms V539A.
Identifiers: ClinVar variation 1929689 (VCV001929689.5), dbSNP rs1652770266, ClinGen allele CA340612488.